The following is an entry in ClinVar:

NM_015015.3(KDM4B):c.2912G>A (p.Cys971Tyr)

Gene: KDM4B (lysine demethylase 4B; plus strand). Cytogenetic location: 19p13.3.
Variant type: single nucleotide variant.
Coding change: c.2912G>A on transcript NM_015015.3 (MANE Select); coding-DNA position 2912, G replaced by A.
Protein change: p.Cys971Tyr; replaces cysteine 971 with tyrosine.
Molecular consequence: missense variant.
Genome position (GRCh38, 1-based): chr19:5,144,793, G>A. VCF-style: chr19-5144793-G-A. GRCh37 (hg19) VCF-style: chr19-5144804-G-A.
Other names: c.3014G>A, p.Cys1005Tyr (NM_001411148.1); short protein forms C1005Y, C971Y.
Identifiers: ClinVar variation 4725026 (VCV004725026.1).

ClinVar aggregate classification (germline): Uncertain significance (1 of 4 stars; one submission).

Submission:

Labcorp Genetics (formerly Invitae), Labcorp
Classification: Uncertain significance. Last evaluated: 2025-12-20. Review status: criteria provided, single submitter. Criteria: Invitae Variant Classification Sherloc (09022015). Collection method: clinical testing. Allele origin: germline.
Comment: This sequence change replaces cysteine, which is neutral and slightly polar, with tyrosine, which is neutral and polar, at codon 971 of the KDM4B protein (p.Cys971Tyr). This variant is not present in population databases (gnomAD no frequency). This variant has not been reported in the literature in individuals affected with KDM4B-related conditions. An algorithm developed to predict the effect of missense changes on protein structure and function (PolyPhen-2) suggests that this variant is likely to be disruptive. In summary, the available evidence is currently insufficient to determine the role of this variant in disease. Therefore, it has been classified as a Variant of Uncertain Significance.